The following continues an entry in ClinVar:

NM_000257.4(MYH7):c.1325G>A (p.Arg442His)

Gene: MYH7. ClinVar aggregate classification (germline): Conflicting classifications of pathogenicity. Pathogenic (2); Likely pathogenic (4); Uncertain significance (3).

Submissions 7 to 12 of 12:

Blueprint Genetics
Classification: Pathogenic for MYH7-related disorders. Last evaluated: 2024-03-06. Review status: criteria provided, single submitter. Criteria: ACMG Guidelines, 2015. Collection method: clinical testing. Allele origin: germline. Affected: yes. Observed: 5 variant alleles.

MGZ Medical Genetics Center
Classification: Likely pathogenic for Dilated cardiomyopathy 1S. Last evaluated: 2022-07-13. Review status: criteria provided, single submitter. Criteria: ACMG Guidelines, 2015. Collection method: clinical testing. Allele origin: germline. Affected: yes. Observed: 1 variant allele.
Comment: ACMG criteria applied: PS4_MOD, PM5, PM2_SUP, PP2, PP3

Laboratory for Molecular Medicine, Mass General Brigham Personalized Medicine
Classification: Uncertain significance for Primary dilated cardiomyopathy. Last evaluated: 2020-07-07. Review status: criteria provided, single submitter. Criteria: ACMG Guidelines, 2015. Collection method: clinical testing. Allele origin: germline. Inheritance: Autosomal unknown.
Comment: The p.Arg442His variant in MYH7 has been identified in 2 individuals with DCM, 1 individual with Brugada syndrome, and 1 individual with noncompaction cardiomyopathy and pulmonary stenosis (Kamisago 2006, Larsen 2011, Di Resta 2015, van Waning 2018). It has also been identified in 4/129196 European chromosomes by gnomAD and reported in ClinVar (Variation ID #181342). Computational prediction tools and conservation analyses suggest that this variant may impact the protein, though this information is not predictive enough to determine pathogenicity. Of note, this variant lies in the head region of the protein and missense variants in this region are statistically more likely to be disease-associated (Walsh 2017). Another variant involving this codon, p.Arg442Cys, has also been identified in multiple individuals with HCM. In summary, while there is some suspicion for a pathogenic role, the clinical significance of this variant is uncertain. ACMG/AMP Criteria applied: PM1, PM2, PM5_Supporting, PP3.

Clinical Genetics Laboratory, University Hospital Schleswig-Holstein
Classification: Likely pathogenic for Dilated cardiomyopathy 1S. Last evaluated: 2024-03-13. Review status: no assertion criteria provided. Collection method: clinical testing. Allele origin: germline. Affected: yes. Not counted in ClinVar's aggregate classification.

Diagnostic Laboratory, Department of Genetics, University Medical Center Groningen
Classification: Likely pathogenic. Review status: no assertion criteria provided. Collection method: clinical testing. Allele origin: germline. Affected: yes. Study: VKGL Data-share Consensus. Not counted in ClinVar's aggregate classification.

Joint Genome Diagnostic Labs from Nijmegen and Maastricht, Radboudumc and MUMC+
Classification: Pathogenic. Review status: no assertion criteria provided. Collection method: clinical testing. Allele origin: germline. Affected: yes. Study: VKGL Data-share Consensus. Not counted in ClinVar's aggregate classification.

Literature cited by the submitters: PubMed 24714796 (cited by Victorian Clinical Genetics Services, Murdoch Childrens Research Institute); PubMed 37240454 (cited by 3 submitters); PubMed 29300372 (cited by Victorian Clinical Genetics Services, Murdoch Childrens Research Institute); PubMed 3974020 (cited by Victorian Clinical Genetics Services, Murdoch Childrens Research Institute); PubMed 31729605 (cited by Victorian Clinical Genetics Services, Murdoch Childrens Research Institute and Color Diagnostics, LLC DBA Color Health); PubMed 17019812 (cited by 4 submitters); PubMed 22177269 (cited by 4 submitters); PubMed 26220970 (cited by 3 submitters); PubMed 31771441 (cited by Color Diagnostics, LLC DBA Color Health and Ambry Genetics); PubMed 35265679 (cited by Color Diagnostics, LLC DBA Color Health and Ambry Genetics); PubMed 17125710 (cited by Labcorp Genetics (formerly Invitae), Labcorp); PubMed 18533079 (cited by Labcorp Genetics (formerly Invitae), Labcorp); PubMed 23674513 (cited by Labcorp Genetics (formerly Invitae), Labcorp); PubMed 27247418 (cited by Labcorp Genetics (formerly Invitae), Labcorp); PubMed 27532257 (cited by Labcorp Genetics (formerly Invitae), Labcorp); PubMed 28615295 (cited by Labcorp Genetics (formerly Invitae), Labcorp); PubMed 30665703 (cited by Ambry Genetics); PubMed 38186735 (cited by Ambry Genetics); PubMed 29447731 (cited by Laboratory for Molecular Medicine, Mass General Brigham Personalized Medicine).